The following is an entry in ClinVar:

ClinVar aggregate classification (germline): Uncertain significance (1 of 4 stars; one submission).

Conditions:
Inborn genetic diseases. Identifiers: MedGen C0950123, MeSH D030342.

Submission:

Ambry Genetics
Classification: Uncertain significance for Inborn genetic diseases. Last evaluated: 2025-07-24. Review status: criteria provided, single submitter. Criteria: Ambry Variant Classification Scheme 2023. Collection method: clinical testing. Allele origin: germline.
Comment: The p.W451R variant (also known as c.1351T>C), located in coding exon 10 of the FANCG gene, results from a T to C substitution at nucleotide position 1351. The tryptophan at codon 451 is replaced by arginine, an amino acid with dissimilar properties. This amino acid position is conserved. In addition, the in silico prediction for this alteration is inconclusive. Based on the available evidence, the clinical significance of this variant remains unclear.

NM_004629.2(FANCG):c.1351T>C (p.Trp451Arg)

Gene: FANCG (FA complementation group G; minus strand). Cytogenetic location: 9p13.3.
Variant type: single nucleotide variant.
Coding change: c.1351T>C on transcript NM_004629.2 (MANE Select); coding-DNA position 1351, T replaced by C.
Protein change: p.Trp451Arg; replaces tryptophan 451 with arginine.
Molecular consequence: missense variant.
Genome position (GRCh38, 1-based): chr9:35,075,547, A>G on the plus strand (T>C on the coding strand, the complement: FANCG is on the minus strand). VCF-style: chr9-35075547-A-G. GRCh37 (hg19) VCF-style: chr9-35075544-A-G.
Other names: short protein forms W451R.
Identifiers: ClinVar variation 4254453 (VCV004254453.1).